The following is an entry in ClinVar:

NM_001042492.3(NF1):c.3844A>G (p.Ser1282Gly)

Gene: NF1 (neurofibromin 1; plus strand). Cytogenetic location: 17q11.2.
Variant type: single nucleotide variant.
Coding change: c.3844A>G on transcript NM_001042492.3 (MANE Select); coding-DNA position 3844, A replaced by G.
Protein change: p.Ser1282Gly; replaces serine 1282 with glycine.
Molecular consequence: missense variant.
Genome position (GRCh38, 1-based): chr17:31,235,746, A>G. VCF-style: chr17-31235746-A-G. GRCh37 (hg19) VCF-style: chr17-29562764-A-G.
Other names: c.3844A>G, p.Ser1282Gly (NM_000267.4); short protein forms S1282G.
Identifiers: ClinVar variation 2452328 (VCV002452328.8), dbSNP rs2151438016, ClinGen allele CA398992821.

ClinVar aggregate classification (germline): Uncertain significance. Review status: criteria provided, multiple submitters, no conflicts (2 of 4 stars). 4 submissions from 4 submitters: Uncertain significance (4). Last evaluated 2025-12-04.

Conditions:
Neurofibromatosis, type 1 (NF1). Also called: VON RECKLINGHAUSEN DISEASE; Neurofibromatosis, type I; NEUROFIBROMATOSIS, TYPE I, SOMATIC; Peripheral type neurofibromatosis. Identifiers: Orphanet 636, MedGen C0027831, MONDO:0018975, OMIM 162200. Disease mechanism: loss of function.
Hereditary cancer-predisposing syndrome. Also called: Hereditary Cancer Syndrome; Neoplastic Syndromes, Hereditary; Tumor predisposition; Hereditary neoplastic syndrome. Identifiers: Orphanet 140162, MedGen C0027672, MeSH D009386, MONDO:0015356.
Cardiovascular phenotype. Identifiers: MedGen CN230736.

Submissions (4):

Ambry Genetics
Classification: Uncertain significance for Cardiovascular phenotype; Hereditary cancer-predisposing syndrome. Last evaluated: 2025-12-04. Review status: criteria provided, single submitter. Criteria: Ambry Variant Classification Scheme 2023. Collection method: clinical testing. Allele origin: germline.
Comment: The p.S1282G variant (also known as c.3844A>G), located in coding exon 28 of the NF1 gene, results from an A to G substitution at nucleotide position 3844. The serine at codon 1282 is replaced by glycine, an amino acid with similar properties. This amino acid position is conserved. In addition, this alteration is predicted to be deleterious by in silico analysis. Since supporting evidence is limited at this time, the clinical significance of this alteration remains unclear.

Labcorp Genetics (formerly Invitae), Labcorp
Classification: Uncertain significance for Neurofibromatosis, type 1. Last evaluated: 2024-03-26. Review status: criteria provided, single submitter. Criteria: Invitae Variant Classification Sherloc (09022015). Collection method: clinical testing. Allele origin: germline.
Comment: This sequence change replaces serine, which is neutral and polar, with glycine, which is neutral and non-polar, at codon 1282 of the NF1 protein (p.Ser1282Gly). This variant is not present in population databases (gnomAD no frequency). This variant has not been reported in the literature in individuals affected with NF1-related conditions. ClinVar contains an entry for this variant (Variation ID: 2452328). Advanced modeling of protein sequence and biophysical properties (such as structural, functional, and spatial information, amino acid conservation, physicochemical variation, residue mobility, and thermodynamic stability) performed at Invitae indicates that this missense variant is expected to disrupt NF1 protein function with a positive predictive value of 95%. Algorithms developed to predict the effect of sequence changes on RNA splicing suggest that this variant may create or strengthen a splice site. This variant disrupts the p.Ser1282 amino acid residue in NF1. Other variant(s) that disrupt this residue have been determined to be pathogenic (Invitae). This suggests that this residue is clinically significant, and that variants that disrupt this residue are likely to be disease-causing. In summary, the available evidence is currently insufficient to determine the role of this variant in disease. Therefore, it has been classified as a Variant of Uncertain Significance.

GeneDx
Classification: Uncertain significance. Last evaluated: 2024-03-14. Review status: criteria provided, single submitter. Criteria: GeneDx Variant Classification Process June 2021. Collection method: clinical testing. Allele origin: germline. Affected: yes.
Comment: Not observed at significant frequency in large population cohorts (gnomAD); In silico analysis supports that this missense variant has a deleterious effect on protein structure/function; In silico analysis suggests this variant may impact gene splicing. In the absence of RNA/functional studies, the actual effect of this sequence change is unknown.; Has not been previously published as pathogenic or benign to our knowledge; This variant is associated with the following publications: (PMID: 25486365, 22807134)

Blueprint Genetics
Classification: Uncertain significance. Last evaluated: 2022-12-20. Review status: criteria provided, single submitter. Criteria: ACMG Guidelines, 2015. Collection method: clinical testing. Allele origin: germline.